The following is an entry in ClinVar:

ClinVar aggregate classification (germline): Uncertain significance (1 of 4 stars; one submission).

Conditions:
WDR1-related disorder. Also called: WDR1-related condition.

Allele frequency attached by ClinVar (database versions not stated): ExAC 0.00001; gnomAD 0.00001; ESP Exome Variant Server 0.00008; gnomAD exomes below 0.00001; TOPMed below 0.00001.

Submission:

PreventionGenetics, part of Exact Sciences
Classification: Uncertain significance for WDR1-related condition. Last evaluated: 2022-10-14. Review status: criteria provided, single submitter. Criteria: ACMG Guidelines, 2015. Collection method: clinical testing. Allele origin: germline.
Comment: The WDR1 c.398G>C variant is predicted to result in the amino acid substitution p.Trp133Ser. To our knowledge, this variant has not been reported in the literature. This variant is reported in 0.0067% of alleles in individuals of African descent in gnomAD. At this time, the clinical significance of this variant is uncertain due to the absence of conclusive functional and genetic evidence.

NM_017491.5(WDR1):c.398G>C (p.Trp133Ser)

Gene: WDR1 (WD repeat domain 1; minus strand). Cytogenetic location: 4p16.1.
Variant type: single nucleotide variant.
Coding change: c.398G>C on transcript NM_017491.5 (MANE Select); coding-DNA position 398, G replaced by C.
Protein change: p.Trp133Ser; replaces tryptophan 133 with serine.
Molecular consequence: missense variant. On other transcripts: intron variant (1).
Genome position (GRCh38, 1-based): chr4:10,097,871, C>G on the plus strand (G>C on the coding strand, the complement: WDR1 is on the minus strand). VCF-style: chr4-10097871-C-G. GRCh37 (hg19) VCF-style: chr4-10099495-C-G.
Other names: c.139-9130G>C (NM_005112.5); short protein forms W133S.
Identifiers: ClinVar variation 2632055 (VCV002632055.1), dbSNP rs368252629, ClinGen allele CA2858065.